The following is an entry in ClinVar:

NM_000203.5(IDUA):c.1358G>A (p.Ser453Asn)

Gene: IDUA (alpha-L-iduronidase; plus strand). Cytogenetic location: 4p16.3.
Variant type: single nucleotide variant.
Coding change: c.1358G>A on transcript NM_000203.5 (MANE Select); coding-DNA position 1358, G replaced by A.
Protein change: p.Ser453Asn; replaces serine 453 with asparagine.
Molecular consequence: missense variant. On other transcripts: non-coding transcript variant (1).
Genome position (GRCh38, 1-based): chr4:1,002,900, G>A. VCF-style: chr4-1002900-G-A. GRCh37 (hg19) VCF-style: chr4-996688-G-A.
Other names: c.962G>A, p.Ser321Asn (NM_001363576.1); short protein forms S453N, S321N.
Identifiers: ClinVar variation 1356512 (VCV001356512.8), dbSNP rs2153022656, ClinGen allele CA355964192.

ClinVar aggregate classification (germline): Uncertain significance (1 of 4 stars; one submission).

Conditions:
Mucopolysaccharidosis type 1. Also called: IDUA deficiency; MPS I; Mucopolysaccharidosis Type I. Identifiers: Orphanet 579, MedGen C0023786, MONDO:0001586.

Submission:

Labcorp Genetics (formerly Invitae), Labcorp
Classification: Uncertain significance for Mucopolysaccharidosis type 1. Last evaluated: 2022-11-01. Review status: criteria provided, single submitter. Criteria: Invitae Variant Classification Sherloc (09022015). Collection method: clinical testing. Allele origin: germline.
Comment: This sequence change replaces serine, which is neutral and polar, with asparagine, which is neutral and polar, at codon 453 of the IDUA protein (p.Ser453Asn). This variant is not present in population databases (gnomAD no frequency). In summary, the available evidence is currently insufficient to determine the role of this variant in disease. Therefore, it has been classified as a Variant of Uncertain Significance. Advanced modeling of protein sequence and biophysical properties (such as structural, functional, and spatial information, amino acid conservation, physicochemical variation, residue mobility, and thermodynamic stability) has been performed at Invitae for this missense variant, however the output from this modeling did not meet the statistical confidence thresholds required to predict the impact of this variant on IDUA protein function. ClinVar contains an entry for this variant (Variation ID: 1356512). This variant has not been reported in the literature in individuals affected with IDUA-related conditions.